The following is an entry in ClinVar:

ClinVar aggregate classification (germline): Uncertain significance (1 of 4 stars; one submission).

Conditions:
Familial hemophagocytic lymphohistiocytosis 2 (FHL2). Also called: PRF1-Related Familial Hemophagocytic Lymphohistiocytosis (PRF1-fHLH). Identifiers: Orphanet 540, MedGen C1863727, MONDO:0011337, OMIM 603553.

Submission:

Labcorp Genetics (formerly Invitae), Labcorp
Classification: Uncertain significance for Familial hemophagocytic lymphohistiocytosis 2. Last evaluated: 2022-02-11. Review status: criteria provided, single submitter. Criteria: Invitae Variant Classification Sherloc (09022015). Collection method: clinical testing. Allele origin: germline.
Comment: In summary, the available evidence is currently insufficient to determine the role of this variant in disease. Therefore, it has been classified as a Variant of Uncertain Significance. Algorithms developed to predict the effect of missense changes on protein structure and function are either unavailable or do not agree on the potential impact of this missense change (SIFT: "Deleterious"; PolyPhen-2: "Probably Damaging"; Align-GVGD: "Class C0"). This variant has not been reported in the literature in individuals affected with PRF1-related conditions. This variant is not present in population databases (gnomAD no frequency). This sequence change replaces proline, which is neutral and non-polar, with arginine, which is basic and polar, at codon 355 of the PRF1 protein (p.Pro355Arg).

NM_001083116.3(PRF1):c.1064C>G (p.Pro355Arg)

Gene: PRF1 (perforin 1; minus strand). Cytogenetic location: 10q22.1.
Variant type: single nucleotide variant.
Coding change: c.1064C>G on transcript NM_001083116.3 (MANE Select); coding-DNA position 1064, C replaced by G.
Protein change: p.Pro355Arg; replaces proline 355 with arginine.
Molecular consequence: missense variant.
Genome position (GRCh38, 1-based): chr10:70,598,657, G>C on the plus strand (C>G on the coding strand, the complement: PRF1 is on the minus strand). VCF-style: chr10-70598657-G-C. GRCh37 (hg19) VCF-style: chr10-72358413-G-C.
Other names: c.1064C>G, p.Pro355Arg (NM_005041.6); short protein forms P355R.
Identifiers: ClinVar variation 1487396 (VCV001487396.6), dbSNP rs779488735, ClinGen allele CA376957397.